The following is an entry in ClinVar:

ClinVar aggregate classification (germline): Likely benign. Review status: criteria provided, multiple submitters, no conflicts (2 of 4 stars). 6 submissions from 6 submitters: Likely benign (6). Last evaluated 2025-12-21.

Conditions:
Cardiovascular phenotype. Identifiers: MedGen CN230736.
Myofibrillar myopathy 5. Also called: Filaminopathy (type); FILAMINOPATHY, AUTOSOMAL DOMINANT. Identifiers: Orphanet 171445, MedGen C1836050, MONDO:0012289, OMIM 609524.
Hypertrophic cardiomyopathy 26. Also called: Cardiomyopathy, familial hypertrophic, 26. Identifiers: Orphanet 75249, MedGen C4310749, MONDO:0014883, OMIM 617047.
Distal myopathy with posterior leg and anterior hand involvement. Also called: WILLIAMS DISTAL MYOPATHY. Identifiers: Orphanet 63273, MedGen C3279722, MONDO:0013550, OMIM 614065.

Allele frequency attached by ClinVar (database versions not stated): ExAC 0.00001; gnomAD exomes 0.00003 and 0.00006; TOPMed 0.00005; gnomAD 0.00006; ESP Exome Variant Server 0.00008.
gnomAD v4.1: 102 of 1,613,176 alleles (0.0063%); highest among the groups gnomAD compares: Non-Finnish European, 0.0078%; no homozygotes.

Submissions (6):

Labcorp Genetics (formerly Invitae), Labcorp
Classification: Likely benign for Distal myopathy with posterior leg and anterior hand involvement; Myofibrillar myopathy 5; Hypertrophic cardiomyopathy 26. Last evaluated: 2025-12-21. Review status: criteria provided, single submitter. Criteria: Invitae Variant Classification Sherloc (09022015). Collection method: clinical testing. Allele origin: germline.

Women's Health and Genetics/Laboratory Corporation of America, LabCorp
Classification: Likely benign. Last evaluated: 2024-11-04. Review status: criteria provided, single submitter. Criteria: LabCorp Variant Classification Summary - May 2015. Collection method: clinical testing. Allele origin: germline.

Blueprint Genetics
Classification: Likely benign. Last evaluated: 2024-07-25. Review status: criteria provided, single submitter. Criteria: ACMG Guidelines, 2015. Collection method: clinical testing. Allele origin: germline.

CeGaT Center for Human Genetics Tuebingen
Classification: Likely benign. Last evaluated: 2023-08-01. Review status: criteria provided, single submitter. Criteria: CeGaT Center For Human Genetics Tuebingen Variant Classification Criteria Version 2. Collection method: clinical testing. Allele origin: germline. Affected: yes. Observed: 1 variant allele.
Comment: FLNC: BP4, BP7

GeneDx
Classification: Likely benign. Last evaluated: 2021-04-03. Review status: criteria provided, single submitter. Criteria: GeneDx Variant Classification Process June 2021. Collection method: clinical testing. Allele origin: germline. Affected: yes.

Ambry Genetics
Classification: Likely benign for Cardiovascular phenotype. Last evaluated: 2019-12-02. Review status: criteria provided, single submitter. Criteria: Ambry Variant Classification Scheme 2023. Collection method: clinical testing. Allele origin: germline.

NM_001458.5(FLNC):c.8091T>C (p.Thr2697=)

Genes: FLNC (filamin C; plus strand), FLNC-AS1 (FLNC antisense RNA 1; minus strand). Cytogenetic location: 7q32.1.
Variant type: single nucleotide variant.
Coding change: c.8091T>C on transcript NM_001458.5 (MANE Select); coding-DNA position 8091, T replaced by C.
Protein change: p.Thr2697=; no amino-acid change (threonine 2697 retained).
Molecular consequence: synonymous variant.
Genome position (GRCh38, 1-based): chr7:128,858,436, T>C. VCF-style: chr7-128858436-T-C. GRCh37 (hg19) VCF-style: chr7-128498490-T-C.
Other names: c.7992T>C, p.Thr2664= (NM_001127487.2).
Identifiers: ClinVar variation 682619 (VCV000682619.42), dbSNP rs369131204, ClinGen allele CA4476426.
Genomic context (GRCh38, chr7:128,858,436, plus strand): 5'-CCCCTGTGAGGAGGTGTACGTGAAGCACATGGGGAACCGGGTGTACAATGTCACCTACAC[T>C]GTCAAGGAGAAAGGGGACTACATCCTCATTGTCAAGTGGGGTGACGAAAGTGTCCCTGGA-3'
Protein context (NP_001449.3, residues 2687-2707): MGNRVYNVTY[Thr2697=]VKEKGDYILI